The following is an entry in ClinVar:

NM_000135.4(FANCA):c.2414C>G (p.Pro805Arg)

Gene: FANCA (FA complementation group A; minus strand). Cytogenetic location: 16q24.3.
Variant type: single nucleotide variant.
Coding change: c.2414C>G on transcript NM_000135.4 (MANE Select); coding-DNA position 2414, C replaced by G.
Protein change: p.Pro805Arg; replaces proline 805 with arginine.
Molecular consequence: missense variant.
Genome position (GRCh38, 1-based): chr16:89,769,927, G>C on the plus strand (C>G on the coding strand, the complement: FANCA is on the minus strand). VCF-style: chr16-89769927-G-C. GRCh37 (hg19) VCF-style: chr16-89836335-G-C.
Other names: c.2414C>G, p.Pro805Arg (NM_001286167.3); short protein forms P805R.
Identifiers: ClinVar variation 3607348 (VCV003607348.3).

ClinVar aggregate classification (germline): Uncertain significance. Review status: criteria provided, multiple submitters, no conflicts (2 of 4 stars). 2 submissions from 2 submitters: Uncertain significance (2). Last evaluated 2025-03-26.

Conditions:
Fanconi anemia (FA). Also called: Fanconi's anemia. Identifiers: Orphanet 84, MedGen C0015625, MeSH D005199, MONDO:0019391.
Inborn genetic diseases. Identifiers: MedGen C0950123, MeSH D030342.

gnomAD v4.1: 3 of 1,614,078 alleles (0.00019%); highest among the groups gnomAD compares: East Asian, 0.0067%; no homozygotes.

Submissions (2):

Ambry Genetics
Classification: Uncertain significance for Inborn genetic diseases. Last evaluated: 2025-03-26. Review status: criteria provided, single submitter. Criteria: Ambry Variant Classification Scheme 2023. Collection method: clinical testing. Allele origin: germline.
Comment: The p.P805R variant (also known as c.2414C>G), located in coding exon 26 of the FANCA gene, results from a C to G substitution at nucleotide position 2414. The proline at codon 805 is replaced by arginine, an amino acid with dissimilar properties. This amino acid position is conserved. In addition, this alteration is predicted to be tolerated by in silico analysis. Based on the available evidence, the clinical significance of this variant remains unclear.

Labcorp Genetics (formerly Invitae), Labcorp
Classification: Uncertain significance for Fanconi anemia. Last evaluated: 2024-12-15. Review status: criteria provided, single submitter. Criteria: Invitae Variant Classification Sherloc (09022015). Collection method: clinical testing. Allele origin: germline.
Comment: This sequence change replaces proline, which is neutral and non-polar, with arginine, which is basic and polar, at codon 805 of the FANCA protein (p.Pro805Arg). This variant is present in population databases (no rsID available, gnomAD 0.006%). This variant has not been reported in the literature in individuals affected with FANCA-related conditions. Invitae Evidence Modeling of protein sequence and biophysical properties (such as structural, functional, and spatial information, amino acid conservation, physicochemical variation, residue mobility, and thermodynamic stability) indicates that this missense variant is not expected to disrupt FANCA protein function with a negative predictive value of 95%. In summary, the available evidence is currently insufficient to determine the role of this variant in disease. Therefore, it has been classified as a Variant of Uncertain Significance.